The following is an entry in ClinVar:

NM_031471.6(FERMT3):c.1173del (p.Asp393fs)

Gene: FERMT3 (FERM domain containing kindlin 3; plus strand). Cytogenetic location: 11q13.1.
Variant type: Deletion.
Coding change: c.1173del on transcript NM_031471.6 (MANE Select); coding-DNA position 1173, one base deleted (T; older notation c.1173delT).
Protein change: p.Asp393fs; shifts the reading frame from aspartic acid 393.
Molecular consequence: frameshift variant.
Genome position (GRCh38, 1-based): chr11:64,219,984, T deleted. VCF-style (leftmost placement, unchanged base first): chr11-64219983-CT-C. GRCh37 (hg19) VCF-style: chr11-63987455-CT-C.
Other names: c.1173del, p.Asp393fs (NM_001382361.1, NM_001382448.1); c.1185del, p.Asp397fs (NM_001382362.1, NM_178443.3); c.633del, p.Asp213fs (NM_001382363.1); c.645del, p.Asp217fs (NM_001382364.1); short protein forms D213fs, D217fs, D393fs, D397fs.
Identifiers: ClinVar variation 4856086 (VCV004856086.1).

ClinVar aggregate classification (germline): Pathogenic (1 of 4 stars; one submission).

Conditions:
Leukocyte adhesion deficiency 3. Also called: Leukocyte adhesion deficiency, type III; INTEGRIN ACTIVATION DEFICIENCY DISEASE; LEUKOCYTE ADHESION DEFICIENCY 1 VARIANT. Identifiers: Orphanet 2968, Orphanet 99844, MedGen C2748536, MONDO:0013016, OMIM 612840.

Submission:

3billion
Classification: Pathogenic for Leukocyte adhesion deficiency 3. Last evaluated: 2025-09-24. Review status: criteria provided, single submitter. Criteria: ACMG Guidelines, 2015. Collection method: clinical testing. Allele origin: germline. Affected: yes.
Comment: The variant is not observed in the gnomAD v4.1.0 dataset. Predicted Consequence/Location: Frameshift: predicted to result in a loss or disruption of normal protein function through nonsense-mediated decay (NMD) or protein truncation. Multiple pathogenic variants are reported downstream of the variant. The variant has been reported to be associated with FERMT3-related disorder (PMID: 31724816). Therefore, this variant is classified as Pathogenic according to the recommendation of ACMG/AMP guideline.

Literature cited by the submitters: PubMed 31724816.